The following is an entry in ClinVar:

NM_001005337.3(PKP1):c.241G>A (p.Gly81Arg)

Gene: PKP1 (plakophilin 1; plus strand). Cytogenetic location: 1q32.1.
Variant type: single nucleotide variant.
Coding change: c.241G>A on transcript NM_001005337.3 (MANE Select); coding-DNA position 241, G replaced by A.
Protein change: p.Gly81Arg; replaces glycine 81 with arginine.
Molecular consequence: missense variant.
Genome position (GRCh38, 1-based): chr1:201,293,980, G>A. VCF-style: chr1-201293980-G-A. GRCh37 (hg19) VCF-style: chr1-201263108-G-A.
Other names: c.241G>A, p.Gly81Arg (NM_000299.4); short protein forms G81R.
Identifiers: ClinVar variation 294801 (VCV000294801.13), dbSNP rs147328328, ClinGen allele CA1324015.

ClinVar aggregate classification (germline): Conflicting classifications of pathogenicity. Review status: criteria provided, conflicting classifications (1 of 4 stars). 3 submissions from 3 submitters: Uncertain significance (1); Benign (1); Likely benign (1). Last evaluated 2025-11-02.

Conditions:
Epidermolysis bullosa simplex due to plakophilin deficiency. Also called: MCGRATH SYNDROME. Identifiers: Orphanet 158668, MedGen C1858302, MONDO:0011472, OMIM 604536.
PKP1-related disorder. Also called: PKP1-related condition.

Allele frequency attached by ClinVar (database versions not stated): ESP Exome Variant Server 0.00077; gnomAD 0.00087 and 0.00091; TOPMed 0.00101; gnomAD exomes 0.00102 and 0.00123; ExAC 0.00111.
gnomAD v4.1: 1,673 of 1,613,888 alleles (0.1%); highest among the groups gnomAD compares: Admixed American, 0.088%; 6 homozygotes.

Submissions (3):

Labcorp Genetics (formerly Invitae), Labcorp
Classification: Benign. Last evaluated: 2025-11-02. Review status: criteria provided, single submitter. Criteria: Invitae Variant Classification Sherloc (09022015). Collection method: clinical testing. Allele origin: germline.

PreventionGenetics, part of Exact Sciences
Classification: Likely benign for PKP1-related condition. Last evaluated: 2025-08-30. Review status: criteria provided, single submitter. Criteria: ACMG Guidelines, 2015. Collection method: clinical testing. Allele origin: germline.
Comment: This variant is classified as likely benign based on ACMG/AMP sequence variant interpretation guidelines (Richards et al. 2015 PMID: 25741868, with internal and published modifications).

Illumina Laboratory Services, Illumina
Classification: Uncertain significance for Epidermolysis bullosa simplex due to plakophilin deficiency. Last evaluated: 2018-01-13. Review status: criteria provided, single submitter. Criteria: ICSL Variant Classification Criteria 13 December 2019. Collection method: clinical testing. Allele origin: germline.